The following is an entry in ClinVar:

ClinVar aggregate classification (germline): Uncertain significance. Review status: criteria provided, multiple submitters, no conflicts (2 of 4 stars). 2 submissions from 2 submitters: Uncertain significance (2). Last evaluated 2021-09-09.

Conditions:
Spermatogenic failure 18. Identifiers: MedGen C4539783, MONDO:0054615, OMIM 617576.
Ciliary dyskinesia, primary, 37 (CILD37). Also called: CILIARY DYSKINESIA, PRIMARY, 37, WITH OR WITHOUT SITUS INVERSUS. Identifiers: MedGen C4539798, MONDO:0033204, OMIM 617577.

Allele frequency attached by ClinVar (database versions not stated): gnomAD exomes below 0.00001; TOPMed below 0.00001.
gnomAD v4.1: 3 of 1,613,694 alleles (0.00019%); highest among the groups gnomAD compares: African/African-American, 0.004%; no homozygotes.

Submissions (2):

Fulgent Genetics
Classification: Uncertain significance for Spermatogenic failure 18; Ciliary dyskinesia, primary, 37. Last evaluated: 2021-09-09. Review status: criteria provided, single submitter. Criteria: ACMG Guidelines, 2015. Collection method: clinical testing. Allele origin: unknown.

Labcorp Genetics (formerly Invitae), Labcorp
Classification: Uncertain significance for Ciliary dyskinesia, primary, 37; Spermatogenic failure 18. Last evaluated: 2021-01-11. Review status: criteria provided, single submitter. Criteria: Invitae Variant Classification Sherloc (09022015). Collection method: clinical testing. Allele origin: germline.
Comment: This sequence change replaces asparagine with aspartic acid at codon 908 of the DNAH1 protein (p.Asn908Asp). The asparagine residue is moderately conserved and there is a small physicochemical difference between asparagine and aspartic acid. In summary, the available evidence is currently insufficient to determine the role of this variant in disease. Therefore, it has been classified as a Variant of Uncertain Significance. Algorithms developed to predict the effect of missense changes on protein structure and function (SIFT, PolyPhen-2, Align-GVGD) all suggest that this variant is likely to be tolerated, but these predictions have not been confirmed by published functional studies and their clinical significance is uncertain. This variant has not been reported in the literature in individuals with DNAH1-related conditions. This variant is not present in population databases (ExAC no frequency).

NM_015512.5(DNAH1):c.2722A>G (p.Asn908Asp)

Gene: DNAH1 (dynein axonemal heavy chain 1; plus strand). Cytogenetic location: 3p21.1.
Variant type: single nucleotide variant.
Coding change: c.2722A>G on transcript NM_015512.5 (MANE Select); coding-DNA position 2722, A replaced by G.
Protein change: p.Asn908Asp; replaces asparagine 908 with aspartic acid.
Molecular consequence: missense variant.
Genome position (GRCh38, 1-based): chr3:52,350,583, A>G. VCF-style: chr3-52350583-A-G. GRCh37 (hg19) VCF-style: chr3-52384599-A-G.
Other names: short protein forms N908D.
Identifiers: ClinVar variation 1491472 (VCV001491472.9), dbSNP rs1416177113, ClinGen allele CA353105430.
Genomic context (GRCh38, chr3:52,350,583, plus strand): 5'-GTCATGGATGACTACCAGGTCATGGATGAATTCCTCTACAACCTCAGCTCAGATGACTTC[A>G]ATGACAAGTGAGTGGGAGCTTGGCCCCCATGCCAGGTGCGGGGTGGAGCATGAGGGGAGC-3'
Protein context (NP_056327.4, residues 898-918): FLYNLSSDDF[Asn908Asp]DKWIASNWPS